The following is an entry in ClinVar:

ClinVar aggregate classification (germline): Uncertain significance (1 of 4 stars; one submission).

Submission:

Labcorp Genetics (formerly Invitae), Labcorp
Classification: Uncertain significance. Last evaluated: 2025-03-22. Review status: criteria provided, single submitter. Criteria: Invitae Variant Classification Sherloc (09022015). Collection method: clinical testing. Allele origin: germline.
Comment: This sequence change replaces glutamine, which is neutral and polar, with glutamic acid, which is acidic and polar, at codon 1990 of the MYO7A protein (p.Gln1990Glu). This variant is not present in population databases (gnomAD no frequency). This variant has not been reported in the literature in individuals affected with MYO7A-related conditions. Invitae Evidence Modeling of protein sequence and biophysical properties (such as structural, functional, and spatial information, amino acid conservation, physicochemical variation, residue mobility, and thermodynamic stability) indicates that this missense variant is not expected to disrupt MYO7A protein function with a negative predictive value of 95%. In summary, the available evidence is currently insufficient to determine the role of this variant in disease. Therefore, it has been classified as a Variant of Uncertain Significance.

NM_000260.4(MYO7A):c.5968C>G (p.Gln1990Glu)

Gene: MYO7A (myosin VIIA; plus strand). Cytogenetic location: 11q13.5.
Variant type: single nucleotide variant.
Coding change: c.5968C>G on transcript NM_000260.4 (MANE Select); coding-DNA position 5968, C replaced by G.
Protein change: p.Gln1990Glu; replaces glutamine 1990 with glutamic acid.
Molecular consequence: missense variant.
Genome position (GRCh38, 1-based): chr11:77,208,720, C>G. VCF-style: chr11-77208720-C-G. GRCh37 (hg19) VCF-style: chr11-76919765-C-G.
Other names: c.5854C>G, p.Gln1952Glu (NM_001127180.2); c.5821C>G, p.Gln1941Glu (NM_001369365.1); short protein forms Q1941E, Q1952E, Q1990E.
Identifiers: ClinVar variation 4806336 (VCV004806336.1).